The following is an entry in ClinVar:

NM_004444.5(EPHB4):c.673G>T (p.Val225Leu)

Gene: EPHB4 (EPH receptor B4; minus strand). Cytogenetic location: 7q22.1.
Variant type: single nucleotide variant.
Coding change: c.673G>T on transcript NM_004444.5 (MANE Select); coding-DNA position 673, G replaced by T.
Protein change: p.Val225Leu; replaces valine 225 with leucine.
Molecular consequence: missense variant.
Genome position (GRCh38, 1-based): chr7:100,822,406, C>A on the plus strand (G>T on the coding strand, the complement: EPHB4 is on the minus strand). VCF-style: chr7-100822406-C-A. GRCh37 (hg19) VCF-style: chr7-100420028-C-A.
Other names: short protein forms V225L.
Identifiers: ClinVar variation 3224291 (VCV003224291.1), dbSNP rs1813257674, ClinGen allele CA368580546.
Genomic context (GRCh38, chr7:100,822,406, plus strand): 5'-ACTGGCCATCCTCACGGCAGTAGAGGCTGGGGCTGGGGCCAGGGGCGGGGACGGCATCCA[C>A]CACGCAGCTACCGGCCACGGGCACAACCAGCTCCCGAGGCACAGTCTCCGGGAATCGAGT-3'
Protein context (NP_004435.3, residues 215-235): LVVPVAGSCV[Val225Leu]DAVPAPGPSP

ClinVar aggregate classification (germline): Uncertain significance (1 of 4 stars; one submission).

Conditions:
Cardiovascular phenotype. Identifiers: MedGen CN230736.

Submission:

Ambry Genetics
Classification: Uncertain significance for Cardiovascular phenotype. Last evaluated: 2023-10-23. Review status: criteria provided, single submitter. Criteria: Ambry Variant Classification Scheme 2023. Collection method: clinical testing. Allele origin: germline.
Comment: The p.V225L variant (also known as c.673G>T), located in coding exon 4 of the EPHB4 gene, results from a G to T substitution at nucleotide position 673. The valine at codon 225 is replaced by leucine, an amino acid with highly similar properties. This amino acid position is conserved. In addition, this alteration is predicted to be tolerated by in silico analysis. Since supporting evidence is limited at this time, the clinical significance of this alteration remains unclear.